The following is an entry in ClinVar:

NM_001365276.2(TNXB):c.4235G>A (p.Arg1412Gln)

Gene: TNXB (tenascin XB; minus strand). Cytogenetic location: 6p21.33.
Variant type: single nucleotide variant.
Coding change: c.4235G>A on transcript NM_001365276.2 (MANE Select); coding-DNA position 4235, G replaced by A.
Protein change: p.Arg1412Gln; replaces arginine 1412 with glutamine.
Molecular consequence: missense variant.
Genome position (GRCh38, 1-based): chr6:32,079,173, C>T on the plus strand (G>A on the coding strand, the complement: TNXB is on the minus strand). VCF-style: chr6-32079173-C-T. GRCh37 (hg19) VCF-style: chr6-32046950-C-T.
Other names: c.4235G>A, p.Arg1412Gln (NM_019105.8); short protein forms R1412Q.
Identifiers: ClinVar variation 1738937 (VCV001738937.4), dbSNP rs773727721, ClinGen allele CA3735002.

ClinVar aggregate classification (germline): Uncertain significance. Review status: criteria provided, multiple submitters, no conflicts (2 of 4 stars). 2 submissions from 2 submitters: Uncertain significance (2). Last evaluated 2025-02-06.

Conditions:
Cardiovascular phenotype. Identifiers: MedGen CN230736.

Allele frequency attached by ClinVar (database versions not stated): ExAC 0.00002; gnomAD 0.00002; gnomAD exomes 0.00002; TOPMed 0.00005.
gnomAD v4.1: 40 of 1,613,756 alleles (0.0025%); highest among the groups gnomAD compares: Non-Finnish European, 0.0031%; no homozygotes.

Submissions (2):

Women's Health and Genetics/Laboratory Corporation of America, LabCorp
Classification: Uncertain significance. Last evaluated: 2025-02-06. Review status: criteria provided, single submitter. Criteria: LabCorp Variant Classification Summary - May 2015. Collection method: clinical testing. Allele origin: germline.
Comment: Variant summary: TNXB c.4235G>A (p.Arg1412Gln) results in a conservative amino acid change located in the Fibronectin type-III domain (IPR003961) of the encoded protein sequence. Four of four in-silico tools predict a benign effect of the variant on protein function. The variant allele was found at a frequency of 1.6e-05 in 247376 control chromosomes. The available data on variant occurrences in the general population are insufficient to allow any conclusion about variant significance. To our knowledge, no occurrence of c.4235G>A in individuals affected with Ehlers-Danlos syndrome due to tenascin-X deficiency and no experimental evidence demonstrating its impact on protein function have been reported. ClinVar contains an entry for this variant (Variation ID: 1738937). Based on the evidence outlined above, the variant was classified as uncertain significance.

Ambry Genetics
Classification: Uncertain significance for Cardiovascular phenotype. Last evaluated: 2024-03-29. Review status: criteria provided, single submitter. Criteria: Ambry Variant Classification Scheme 2023. Collection method: clinical testing. Allele origin: germline.